The following is an entry in ClinVar:

NM_006735.4(HOXA2):c.824C>T (p.Ser275Leu)

Gene: HOXA2 (homeobox A2; minus strand). Cytogenetic location: 7p15.2.
Variant type: single nucleotide variant.
Coding change: c.824C>T on transcript NM_006735.4 (MANE Select); coding-DNA position 824, C replaced by T.
Protein change: p.Ser275Leu; replaces serine 275 with leucine.
Molecular consequence: missense variant.
Genome position (GRCh38, 1-based): chr7:27,101,033, G>A on the plus strand (C>T on the coding strand, the complement: HOXA2 is on the minus strand). VCF-style: chr7-27101033-G-A. GRCh37 (hg19) VCF-style: chr7-27140652-G-A.
Other names: short protein forms S275L.
Identifiers: ClinVar variation 4689195 (VCV004689195.1).

ClinVar aggregate classification (germline): Uncertain significance (1 of 4 stars; one submission).

Submission:

Women's Health and Genetics/Laboratory Corporation of America, LabCorp
Classification: Uncertain significance. Last evaluated: 2026-01-20. Review status: criteria provided, single submitter. Criteria: LabCorp Variant Classification Summary - May 2015. Collection method: clinical testing. Allele origin: germline.
Comment: Variant summary: HOXA2 c.824C>T (p.Ser275Leu) results in a non-conservative amino acid change in the encoded protein sequence. Algorithms developed to predict the effect of missense changes on protein structure and function are either unavailable or do not agree on the potential impact of this missense change. The variant allele was found at a frequency of 8e-06 in 251488 control chromosomes. The available data on variant occurrences in the general population are insufficient to allow any conclusion about variant significance. To our knowledge, no occurrence of c.824C>T in individuals affected with HOXA2-related conditions and no experimental evidence demonstrating its impact on protein function have been reported. No submitters have cited clinical-significance assessments for this variant to ClinVar. Based on the evidence outlined above, the variant was classified as uncertain significance.